The following is an entry in ClinVar:

ClinVar aggregate classification (germline): Uncertain significance. Review status: criteria provided, multiple submitters, no conflicts (2 of 4 stars). 2 submissions from 2 submitters: Uncertain significance (2). Last evaluated 2026-02-09.

Conditions:
Generalized epilepsy with febrile seizures plus, type 2 (GEFSP2). Also called: GEFS+, TYPE 2. Identifiers: Orphanet 36387, MedGen C1858673, MONDO:0011461, OMIM 604403.
Developmental and epileptic encephalopathy 6B. Also called: Developmental and epileptic encephalopathy 6B, non-Dravet. Identifiers: MedGen C5543353, MONDO:0030268, OMIM 619317.
Severe myoclonic epilepsy in infancy (DRVT). Also called: Dravet syndrome; SEVERE MYOCLONIC EPILEPSY OF INFANCY; DEVELOPMENTAL AND EPILEPTIC ENCEPHALOPATHY 6A; Severe Myoclonic Epilepsy in Infancy (SMEI); Epileptic encephalopathy, early infantile, 6 (Dravet syndrome). Identifiers: Orphanet 33069, MedGen C0751122, MONDO:0100135, OMIM 607208.
Early-infantile DEE. Also called: Early infantile epileptic encephalopathy; Ohtahara syndrome; Early infantile epileptic encephalopathy with suppression bursts. Identifiers: Orphanet 1934, MedGen C0393706, MONDO:0800491.

Submissions (2):

Clinical Genomics Laboratory, Washington University in St. Louis
Classification: Uncertain significance for Developmental and epileptic encephalopathy 6B; Severe myoclonic epilepsy in infancy; Generalized epilepsy with febrile seizures plus, type 2. Last evaluated: 2026-02-09. Review status: criteria provided, single submitter. Criteria: ACMG Guidelines, 2015. Collection method: clinical testing. Allele origin: germline.
Comment: The SCN1A c.4343A>T (p.Glu1448Val) variant, to our knowledge, has not been reported in the medical literature. This variant is absent from the general population (gnomAD v4.1.0), indicating it is not a common variant. Computational predictors are uncertain as to the impact of this variant on SCN1A function. Due to limited information, and based on the ClinGen Epilepsy Sodium Channel Expert Panel Specifications to the ACMG/AMP Variant Interpretation Guidelines for SCN1A Version 2.0.0, the clinical significance of this variant is uncertain at this time.

Labcorp Genetics (formerly Invitae), Labcorp
Classification: Uncertain significance for Early-infantile DEE. Last evaluated: 2022-12-15. Review status: criteria provided, single submitter. Criteria: Invitae Variant Classification Sherloc (09022015). Collection method: clinical testing. Allele origin: germline.
Comment: This sequence change replaces glutamic acid, which is acidic and polar, with valine, which is neutral and non-polar, at codon 1448 of the SCN1A protein (p.Glu1448Val). This variant is not present in population databases (gnomAD no frequency). This variant has not been reported in the literature in individuals affected with SCN1A-related conditions. Advanced modeling of protein sequence and biophysical properties (such as structural, functional, and spatial information, amino acid conservation, physicochemical variation, residue mobility, and thermodynamic stability) has been performed at Invitae for this missense variant, however the output from this modeling did not meet the statistical confidence thresholds required to predict the impact of this variant on SCN1A protein function. In summary, the available evidence is currently insufficient to determine the role of this variant in disease. Therefore, it has been classified as a Variant of Uncertain Significance.

NM_001165963.4(SCN1A):c.4343A>T (p.Glu1448Val)

Genes: SCN1A (sodium voltage-gated channel alpha subunit 1; minus strand), LOC102724058 (uncharacterized LOC102724058; plus strand). Cytogenetic location: 2q24.3.
Variant type: single nucleotide variant.
Coding change: c.4343A>T on transcript NM_001165963.4 (MANE Select); coding-DNA position 4343, A replaced by T.
Protein change: p.Glu1448Val; replaces glutamic acid 1448 with valine.
Molecular consequence: missense variant. On other transcripts: non-coding transcript variant (1).
Genome position (GRCh38, 1-based): chr2:165,998,171, T>A on the plus strand (A>T on the coding strand, the complement: SCN1A is on the minus strand). VCF-style: chr2-165998171-T-A. GRCh37 (hg19) VCF-style: chr2-166854681-T-A.
Other names: c.4259A>T, p.Glu1420Val (NM_001165964.3, NM_001353957.2, NM_001353958.2); c.4343A>T, p.Glu1448Val (NM_001202435.3, NM_001353948.2); c.4310A>T, p.Glu1437Val (NM_001353949.2, NM_001353950.2, NM_001353951.2 and 2 more transcripts); c.4307A>T, p.Glu1436Val (NM_001353954.2, NM_001353955.2); c.4256A>T, p.Glu1419Val (NM_001353960.2); c.1901A>T, p.Glu634Val (NM_001353961.2); short protein forms E1448V, E1420V, E634V, E1419V, E1437V, E1436V.
Identifiers: ClinVar variation 2006149 (VCV002006149.5), dbSNP rs2468395582, ClinGen allele CA349049503.